The following is an entry in ClinVar:

ClinVar aggregate classification (germline): Conflicting classifications of pathogenicity. Review status: criteria provided, conflicting classifications (1 of 4 stars). 4 submissions from 4 submitters: Uncertain significance (1); Likely benign (2). 1 of the submissions does not count toward it. Last evaluated 2026-01-26.

Conditions:
LAMP2-related disorder. Also called: LAMP2-related condition.
Danon disease. Also called: ANTOPOL DISEASE; PSEUDOGLYCOGENOSIS II; Glycogen Storage Disease Type IIb; GSD IIb; LYSOSOMAL GLYCOGEN STORAGE DISEASE WITHOUT ACID MALTASE DEFICIENCY. Identifiers: Orphanet 34587, MedGen C0878677, MONDO:0010281, OMIM 300257.

Submissions (4):

Labcorp Genetics (formerly Invitae), Labcorp
Classification: Likely benign for Danon disease. Last evaluated: 2026-01-26. Review status: criteria provided, single submitter. Criteria: Invitae Variant Classification Sherloc (09022015). Collection method: clinical testing. Allele origin: germline.

Blueprint Genetics
Classification: Likely benign. Last evaluated: 2024-03-13. Review status: criteria provided, single submitter. Criteria: ACMG Guidelines, 2015. Collection method: clinical testing. Allele origin: germline.

GeneDx
Classification: Uncertain significance. Last evaluated: 2016-06-28. Review status: criteria provided, single submitter. Criteria: GeneDx Variant Classification (06012015). Collection method: clinical testing. Allele origin: germline. Affected: yes.
Comment: The authors hypothesized that the loss of the Aspartic Acid residue at this position (the P5 substrate position") might be critical for proteolytic regulation of LAMP-2. Additionally, it was not identified in 600 control chromosomes from Caucasian individuals, indicating it is not a common benign variant in this population. However, the lack of segregation with a disease phenotype in the published family suggests further studies are needed to determine the pathogenic role of this variant. Therefore, based on the currently available information, it is unclear whether this variant is a pathogenic mutation or a rare benign variant."

PreventionGenetics, part of Exact Sciences
Classification: Likely benign for LAMP2-related condition. Last evaluated: 2020-09-05. Review status: no assertion criteria provided. Collection method: clinical testing. Allele origin: germline. Not counted in ClinVar's aggregate classification.
Comment: This variant is classified as likely benign based on ACMG/AMP sequence variant interpretation guidelines (Richards et al. 2015 PMID: 25741868, with internal and published modifications).

NM_002294.3(LAMP2):c.1114GAC[1] (p.Asp373del)

Gene: LAMP2 (lysosome associated membrane protein 2; minus strand). Cytogenetic location: Xq24.
Variant type: Microsatellite.
Coding change: c.1114GAC[1] on transcript NM_002294.3 (MANE Select); one copy of the 3-base unit GAC starting at c.1114; the reference has two copies in a row; one copy, 3 bases deleted.
Protein change: p.Asp373del; deletes aspartic acid 373.
Molecular consequence: inframe deletion. On other transcripts: intron variant (1).
Genome position (GRCh38, 1-based): chrX:120,431,437-120,431,439, GTC deleted on the plus strand (GAC on the coding strand, the reverse complement: LAMP2 is on the minus strand); deleting any 3 consecutive bases within chrX:120,431,437-120,431,442 gives the same sequence; the position shown is the placement nearest the transcript's 3' end. VCF-style (leftmost placement, unchanged base first): chrX-120431436-TGTC-T. GRCh37 (hg19) VCF-style: chrX-119565291-TGTC-T.
Other names: c.1117_1119delGAC (NM_002294.2); c.1094-2813_1094-2811del (NM_001122606.1); short protein forms D373del.
Identifiers: ClinVar variation 180889 (VCV000180889.13), dbSNP rs730880494, ClinGen allele CA333711.